The following is an entry in ClinVar:

ClinVar aggregate classification (germline): Uncertain significance. Review status: criteria provided, multiple submitters, no conflicts (2 of 4 stars). 4 submissions from 4 submitters: Uncertain significance (3). 1 of the submissions does not count toward it. Last evaluated 2025-11-17.

Conditions:
Hereditary cancer-predisposing syndrome. Also called: Tumor predisposition; Neoplastic Syndromes, Hereditary; Hereditary neoplastic syndrome; Hereditary Cancer Syndrome. Identifiers: Orphanet 140162, MedGen C0027672, MeSH D009386, MONDO:0015356.
Ataxia-telangiectasia syndrome (AT). Also called: Ataxia-telangiectasia, complementation group D; AT, COMPLEMENTATION GROUP C; ATAXIA-TELANGIECTASIA, COMPLEMENTATION GROUP A; ATAXIA-TELANGIECTASIA, FRESNO VARIANT; Ataxia-telangiectasia; Ataxia telangiectasia (A-T). Identifiers: Orphanet 100, MedGen C0004135, MONDO:0008840, OMIM 208900.

gnomAD v4.1: 1 of 1,561,198 alleles (0.000064%); highest among the groups gnomAD compares: Middle Eastern, 0.017%; no homozygotes.

Submissions (4):

Ambry Genetics
Classification: Uncertain significance for Hereditary cancer-predisposing syndrome. Last evaluated: 2025-11-17. Review status: criteria provided, single submitter. Criteria: Ambry Variant Classification Scheme 2023. Collection method: clinical testing. Allele origin: germline.
Comment: The p.S2000I variant (also known as c.5999G>T), located in coding exon 39 of the ATM gene, results from a G to T substitution at nucleotide position 5999. The serine at codon 2000 is replaced by isoleucine, an amino acid with dissimilar properties. This amino acid position is conserved. In addition, the in silico prediction for this alteration is inconclusive. Since supporting evidence is limited at this time, the clinical significance of this alteration remains unclear.

Labcorp Genetics (formerly Invitae), Labcorp
Classification: Uncertain significance for Ataxia-telangiectasia syndrome. Last evaluated: 2025-06-30. Review status: criteria provided, single submitter. Criteria: Invitae Variant Classification Sherloc (09022015). Collection method: clinical testing. Allele origin: germline.
Comment: This sequence change replaces serine, which is neutral and polar, with isoleucine, which is neutral and non-polar, at codon 2000 of the ATM protein (p.Ser2000Ile). This variant is not present in population databases (gnomAD no frequency). This variant has not been reported in the literature in individuals affected with ATM-related conditions. ClinVar contains an entry for this variant (Variation ID: 964752). Invitae Evidence Modeling of protein sequence and biophysical properties (such as structural, functional, and spatial information, amino acid conservation, physicochemical variation, residue mobility, and thermodynamic stability) indicates that this missense variant is not expected to disrupt ATM protein function with a negative predictive value of 95%. In summary, the available evidence is currently insufficient to determine the role of this variant in disease. Therefore, it has been classified as a Variant of Uncertain Significance.

Quest Diagnostics Nichols Institute San Juan Capistrano
Classification: Uncertain significance. Last evaluated: 2024-06-06. Review status: criteria provided, single submitter. Criteria: Quest Diagnostics criteria. Collection method: clinical testing. Allele origin: unknown.
Comment: The ATM c.5999G>T (p.Ser2000Ile) variant has been reported in the published literature in an individual with breast cancer (PMID: 33471991 (2021), see also LOVD). This variant has not been reported in large, multi-ethnic general populations (Genome Aggregation Database). Analysis of this variant using bioinformatics tools for the prediction of the effect of amino acid changes on protein structure and function yielded predictions that this variant is damaging. Based on the available information, we are unable to determine the clinical significance of this variant.

Natera, Inc.
Classification: Uncertain significance for Ataxia-telangiectasia. Last evaluated: 2021-09-17. Review status: no assertion criteria provided. Collection method: clinical testing. Allele origin: germline. Not counted in ClinVar's aggregate classification.

Literature cited by the submitters: PubMed 33471991 (cited by Quest Diagnostics Nichols Institute San Juan Capistrano).

NM_000051.4(ATM):c.5999G>T (p.Ser2000Ile)

Genes: ATM (ATM serine/threonine kinase; plus strand), C11orf65 (chromosome 11 open reading frame 65; minus strand). Cytogenetic location: 11q22.3.
Variant type: single nucleotide variant.
Coding change: c.5999G>T on transcript NM_000051.4 (MANE Select); coding-DNA position 5999, G replaced by T.
Protein change: p.Ser2000Ile; replaces serine 2000 with isoleucine.
Molecular consequence: missense variant. On other transcripts: intron variant (2).
Genome position (GRCh38, 1-based): chr11:108,312,491, G>T. VCF-style: chr11-108312491-G-T. GRCh37 (hg19) VCF-style: chr11-108183218-G-T.
Other names: c.5999G>T, p.Ser2000Ile (NM_001351834.2); c.641-3420C>A (NM_001330368.2); c.*39-3420C>A (NM_001351110.2); short protein forms S2000I.
Identifiers: ClinVar variation 964752 (VCV000964752.20), dbSNP rs775921052, ClinGen allele CA382548803.